The following is an entry in ClinVar:

ClinVar aggregate classification (germline): Pathogenic (1 of 4 stars; one submission).

Conditions:
Smith-Lemli-Opitz syndrome (SLOS). Also called: 7-Dehydrocholesterol reductase deficiency; LETHAL ACRODYSGENITAL SYNDROME; POLYDACTYLY, SEX REVERSAL, RENAL HYPOPLASIA, AND UNILOBAR LUNG; RSH SYNDROME; RUTLEDGE LETHAL MULTIPLE CONGENITAL ANOMALY SYNDROME. Identifiers: Orphanet 818, MedGen C0175694, MONDO:0010035, OMIM 270400.

Submission:

Labcorp Genetics (formerly Invitae), Labcorp
Classification: Pathogenic for Smith-Lemli-Opitz syndrome. Last evaluated: 2025-05-03. Review status: criteria provided, single submitter. Criteria: Invitae Variant Classification Sherloc (09022015). Collection method: clinical testing. Allele origin: germline.
Comment: This sequence change creates a premature translational stop signal (p.Gly30Alafs*39) in the DHCR7 gene. It is expected to result in an absent or disrupted protein product. Loss-of-function variants in DHCR7 are known to be pathogenic (PMID: 9634533, 10677299). This variant is not present in population databases (gnomAD no frequency). This variant has not been reported in the literature in individuals affected with DHCR7-related conditions. ClinVar contains an entry for this variant (Variation ID: 970420). For these reasons, this variant has been classified as Pathogenic.

Literature cited by the submitters: PubMed 9634533; PubMed 10677299.

NM_001360.3(DHCR7):c.89del (p.Gly30fs)

Gene: DHCR7 (7-dehydrocholesterol reductase; minus strand). Cytogenetic location: 11q13.4.
Variant type: Deletion.
Coding change: c.89del on transcript NM_001360.3 (MANE Select); coding-DNA position 89, one base deleted (G; older notation c.89delG).
Protein change: p.Gly30fs; shifts the reading frame from glycine 30.
Molecular consequence: frameshift variant.
Genome position (GRCh38, 1-based): chr11:71,444,864, C deleted on the plus strand (G on the coding strand, the reverse complement: DHCR7 is on the minus strand); the first of 4 consecutive C bases (chr11:71,444,864-71,444,867); deleting any one gives the same sequence. VCF-style (leftmost placement, unchanged base first): chr11-71444863-GC-G. GRCh37 (hg19) VCF-style: chr11-71155909-GC-G.
Other names: c.89del, p.Gly30fs (NM_001163817.2); short protein forms G30fs.
Identifiers: ClinVar variation 970420 (VCV000970420.7), dbSNP rs1949389544, ClinGen allele CA1139662081.